The following is an entry in ClinVar:

ClinVar aggregate classification (germline): Uncertain significance (1 of 4 stars; one submission).

Submission:

Labcorp Genetics (formerly Invitae), Labcorp
Classification: Uncertain significance. Last evaluated: 2021-11-12. Review status: criteria provided, single submitter. Criteria: Invitae Variant Classification Sherloc (09022015). Collection method: clinical testing. Allele origin: germline.
Comment: This sequence change replaces serine, which is neutral and polar, with phenylalanine, which is neutral and non-polar, at codon 86 of the TMEM230 protein (p.Ser86Phe). This variant is not present in population databases (gnomAD no frequency). This variant has not been reported in the literature in individuals affected with TMEM230-related conditions. Algorithms developed to predict the effect of missense changes on protein structure and function are either unavailable or do not agree on the potential impact of this missense change (SIFT: "Deleterious"; PolyPhen-2: "Probably Damaging"; Align-GVGD: "Class C15"). In summary, the available evidence is currently insufficient to determine the role of this variant in disease. Therefore, it has been classified as a Variant of Uncertain Significance.

NM_001009925.2(TMEM230):c.68C>T (p.Ser23Phe)

Gene: TMEM230 (transmembrane protein 230; minus strand). Cytogenetic location: 20p12.3.
Variant type: single nucleotide variant.
Coding change: c.68C>T on transcript NM_001009925.2 (MANE Select); coding-DNA position 68, C replaced by T.
Protein change: p.Ser23Phe; replaces serine 23 with phenylalanine.
Molecular consequence: missense variant.
Genome position (GRCh38, 1-based): chr20:5,109,363, G>A on the plus strand (C>T on the coding strand, the complement: TMEM230 is on the minus strand). VCF-style: chr20-5109363-G-A. GRCh37 (hg19) VCF-style: chr20-5090009-G-A.
Other names: c.68C>T, p.Ser23Phe (NM_001009924.2, NM_001330984.2, NM_001330985.2 and 4 more transcripts); short protein forms S23F.
Identifiers: ClinVar variation 1351162 (VCV001351162.6), dbSNP rs1411906884, ClinGen allele CA408156877.
Genomic context (GRCh38, chr20:5,109,363, plus strand): 5'-CAGTCTTGTCAGTTCTCTTCTGCATTTACCTGAAGGTCAATGTAGCCATCGTCTGTGCTG[G>A]AGAGCCTTGAATATTTCACTTTACTACTGGGGATTCCAGTAGCCAGGTTGGTACGGGACG-3'
Protein context (NP_001009925.1, residues 13-33): PSSKVKYSRL[Ser23Phe]STDDGYIDLQ